The following is an entry in ClinVar:

ClinVar aggregate classification (germline): Uncertain significance. Review status: criteria provided, single submitter (1 of 4 stars). 2 submissions from 2 submitters: Uncertain significance (1). 1 of the submissions does not count toward it. Last evaluated 2024-05-05.

Conditions:
Duchenne muscular dystrophy (DMD). Also called: MUSCULAR DYSTROPHY, PSEUDOHYPERTROPHIC PROGRESSIVE, DUCHENNE TYPE; Duchenne Muscular Dystrophy (DMD). Identifiers: Orphanet 98896, MedGen C0013264, MONDO:0010679, OMIM 310200.
Becker muscular dystrophy, Cardiomyopathy, Duchenne muscular dystrophy, Dystrophin deficiency.

Submissions (2):

Labcorp Genetics (formerly Invitae), Labcorp
Classification: Uncertain significance for Duchenne muscular dystrophy. Last evaluated: 2024-05-05. Review status: criteria provided, single submitter. Criteria: Invitae Variant Classification Sherloc (09022015). Collection method: clinical testing. Allele origin: germline.
Comment: This sequence change replaces glutamic acid, which is acidic and polar, with lysine, which is basic and polar, at codon 530 of the DMD protein (p.Glu530Lys). This variant is not present in population databases (gnomAD no frequency). This variant has not been reported in the literature in individuals affected with DMD-related conditions. Advanced modeling of protein sequence and biophysical properties (such as structural, functional, and spatial information, amino acid conservation, physicochemical variation, residue mobility, and thermodynamic stability) performed at Invitae indicates that this missense variant is not expected to disrupt DMD protein function with a negative predictive value of 95%. In summary, the available evidence is currently insufficient to determine the role of this variant in disease. Therefore, it has been classified as a Variant of Uncertain Significance.

Natera, Inc.
Classification: Uncertain significance for Becker muscular dystrophy, Cardiomyopathy, Duchenne muscular dystrophy, Dystrophin deficiency. Last evaluated: 2025-03-21. Review status: no assertion criteria provided. Collection method: clinical testing. Allele origin: germline. Not counted in ClinVar's aggregate classification.

NM_004006.3(DMD):c.1588G>A (p.Glu530Lys)

Gene: DMD (dystrophin; minus strand). Cytogenetic location: Xp21.1.
Variant type: single nucleotide variant.
Coding change: c.1588G>A on transcript NM_004006.3 (MANE Select); coding-DNA position 1588, G replaced by A.
Protein change: p.Glu530Lys; replaces glutamic acid 530 with lysine.
Molecular consequence: missense variant.
Genome position (GRCh38, 1-based): chrX:32,595,771, C>T on the plus strand (G>A on the coding strand, the complement: DMD is on the minus strand). VCF-style: chrX-32595771-C-T. GRCh37 (hg19) VCF-style: chrX-32613888-C-T.
Other names: c.1564G>A, p.Glu522Lys (NM_000109.4); c.1576G>A, p.Glu526Lys (NM_004009.3); c.1219G>A, p.Glu407Lys (NM_004010.3); short protein forms E530K, E522K, E407K, E526K.
Identifiers: ClinVar variation 3634863 (VCV003634863.3).